The following is an entry in ClinVar:

ClinVar aggregate classification (germline): Pathogenic/Likely pathogenic. Review status: criteria provided, multiple submitters, no conflicts (2 of 4 stars). 3 submissions from 3 submitters: Pathogenic (1); Likely pathogenic (2). Last evaluated 2024-09-26.

Conditions:
Thyroid dyshormonogenesis 1. Also called: HYPOTHYROIDISM, CONGENITAL, DUE TO DYSHORMONOGENESIS, 1; IODINE ACCUMULATION, TRANSPORT, OR TRAPPING DEFECT; THYROID HORMONOGENESIS, GENETIC DEFECT IN, 1; Familial thyroid dyshormonogenesis 1. Identifiers: Orphanet 95716, MedGen C1848805, MONDO:0020716, OMIM 274400.
SLC5A5-related disorder. Also called: SLC5A5-related condition.

Allele frequency attached by ClinVar (database versions not stated): gnomAD exomes below 0.00001.
gnomAD v4.1: 1 of 1,612,456 alleles (0.000062%); highest among the groups gnomAD compares: East Asian, 0.0022%; no homozygotes.

Submissions (3):

Women's Health and Genetics/Laboratory Corporation of America, LabCorp
Classification: Likely pathogenic for Thyroid dyshormonogenesis 1. Last evaluated: 2024-09-26. Review status: criteria provided, single submitter. Criteria: LabCorp Variant Classification Summary - May 2015. Collection method: clinical testing. Allele origin: germline.
Comment: Variant summary: SLC5A5 c.176T>A (p.Val59Glu) results in a non-conservative amino acid change in the encoded protein sequence. Five of five in-silico tools predict a damaging effect of the variant on protein function. The variant was absent in 245338 control chromosomes. c.176T>A has been reported in the literature in the heterozygous or compound heterozygous state in multiple individuals affected with Familial Thyroid Dyshormonogenesis 1 (example, Fujiwara_2000, Li_2022), however at this time there is no strong association with dominant disease for this gene. In at least 1 family, this variant segregated with iodide transport deficiency, though the phenotype severity among the siblings may have been impacted by maternal dietary iodide intake (example, Fujiwara_2000). At least one publication reports experimental evidence evaluating an impact on protein function. The most pronounced variant effect results in <10% of normal activity in vitro (example, Reed-Tsur_2008, Fujiwara_2000). The following publications have been ascertained in the context of this evaluation (PMID: 10907989, 35276235, 18339708). ClinVar contains an entry for this variant (Variation ID: 2633371). Based on the evidence outlined above, the variant was classified as likely pathogenic.

PreventionGenetics, part of Exact Sciences
Classification: Likely pathogenic for SLC5A5-related condition. Last evaluated: 2023-03-27. Review status: criteria provided, single submitter. Criteria: ACMG Guidelines, 2015. Collection method: clinical testing. Allele origin: germline.
Comment: The SLC5A5 c.176T>A variant is predicted to result in the amino acid substitution p.Val59Glu. This variant was reported in the compound heterozygous state in three siblings with iodide transport defect (Fujiwara et al. 2000. PubMed ID: 10907989). This variant was also reported in the heterozygous state in two individuals with congenital hypothyroidism (Li et al. 2022. PubMed ID: 35276235). Functional studies showed that this variant impacts normal protein function (Fujiwara et al. 2000. PubMed ID: 10907989; Reed-Tsur et al. 2008. PubMed ID: 18339708). This variant has not been reported in a large population database, indicating this variant is rare. This variant is interpreted as likely pathogenic.

Labcorp Genetics (formerly Invitae), Labcorp
Classification: Pathogenic. Last evaluated: 2023-01-09. Review status: criteria provided, single submitter. Criteria: Invitae Variant Classification Sherloc (09022015). Collection method: clinical testing. Allele origin: germline.
Comment: For these reasons, this variant has been classified as Pathogenic. Experimental studies have shown that this missense change affects SLC5A5 function (PMID: 18339708). Advanced modeling of protein sequence and biophysical properties (such as structural, functional, and spatial information, amino acid conservation, physicochemical variation, residue mobility, and thermodynamic stability) performed at Invitae indicates that this missense variant is expected to disrupt SLC5A5 protein function. This missense change has been observed in individual(s) with iodide transport defect (PMID: 10907989). In at least one individual the data is consistent with being in trans (on the opposite chromosome) from a pathogenic variant. It has also been observed to segregate with disease in related individuals. This variant is not present in population databases (gnomAD no frequency). This sequence change replaces valine, which is neutral and non-polar, with glutamic acid, which is acidic and polar, at codon 59 of the SLC5A5 protein (p.Val59Glu).

Literature cited by the submitters: PubMed 35276235 (cited by Women's Health and Genetics/Laboratory Corporation of America, LabCorp); PubMed 10907989 (cited by Women's Health and Genetics/Laboratory Corporation of America, LabCorp and Labcorp Genetics (formerly Invitae), Labcorp); PubMed 18339708 (cited by Women's Health and Genetics/Laboratory Corporation of America, LabCorp and Labcorp Genetics (formerly Invitae), Labcorp).

NM_000453.3(SLC5A5):c.176T>A (p.Val59Glu)

Gene: SLC5A5 (solute carrier family 5 member 5; plus strand). Cytogenetic location: 19p13.11.
Variant type: single nucleotide variant.
Coding change: c.176T>A on transcript NM_000453.3 (MANE Select); coding-DNA position 176, T replaced by A.
Protein change: p.Val59Glu; replaces valine 59 with glutamic acid.
Molecular consequence: missense variant.
Genome position (GRCh38, 1-based): chr19:17,872,495, T>A. VCF-style: chr19-17872495-T-A. GRCh37 (hg19) VCF-style: chr19-17983304-T-A.
Other names: short protein forms V59E.
Identifiers: ClinVar variation 2633371 (VCV002633371.5), dbSNP rs2514611674, ClinGen allele CA404781719.
Genomic context (GRCh38, chr19:17,872,495, plus strand): 5'-GCGGGCAGCGCAGCGCTGAGGACTTCTTCACCGGGGGCCGGCGCCTGGCGGCCCTGCCCG[T>A]GGGCCTGTCGCTGTCTGCCAGCTTCATGTCGGCCGTGCAGGTGCTGGGCGTGCCGTCGGA-3'
Protein context (NP_000444.1, residues 49-69): TGGRRLAALP[Val59Glu]GLSLSASFMS